The following is an entry in ClinVar:

NM_001046.3(SLC12A2):c.1141G>A (p.Ala381Thr)

Gene: SLC12A2 (solute carrier family 12 member 2; plus strand). Cytogenetic location: 5q23.3.
Variant type: single nucleotide variant.
Coding change: c.1141G>A on transcript NM_001046.3 (MANE Select); coding-DNA position 1141, G replaced by A.
Protein change: p.Ala381Thr; replaces alanine 381 with threonine.
Molecular consequence: missense variant. On other transcripts: non-coding transcript variant (1).
Genome position (GRCh38, 1-based): chr5:128,131,159, G>A. VCF-style: chr5-128131159-G-A. GRCh37 (hg19) VCF-style: chr5-127466851-G-A.
Other names: c.1141G>A, p.Ala381Thr (NM_001256461.2); short protein forms A381T.
Identifiers: ClinVar variation 5041685 (VCV005041685.1).

ClinVar aggregate classification (germline): Uncertain significance (1 of 4 stars; one submission).

gnomAD v4.1: 2 of 1,614,160 alleles (0.00012%); highest among the groups gnomAD compares: South Asian, 0.0011%; no homozygotes.

Submission:

CeGaT Center for Human Genetics Tuebingen
Classification: Uncertain significance. Last evaluated: 2026-09-01. Review status: criteria provided, single submitter. Criteria: CeGaT Center For Human Genetics Tuebingen Variant Classification Criteria Version 2. Collection method: clinical testing. Allele origin: germline. Affected: yes. Observed: 1 variant allele.
Comment: SLC12A2: PM2, PP3